The following is an entry in ClinVar:

ClinVar aggregate classification (germline): Likely benign (0 of 4 stars; one submission).

Conditions:
NLRP2-related disorder. Also called: NLRP2-related condition.

Allele frequency attached by ClinVar (database versions not stated): ExAC 0.00008; ESP Exome Variant Server 0.00008; TOPMed 0.00014; gnomAD 0.00016; 1000 Genomes Project 30x 0.00047; 1000 Genomes Project 0.00060.
gnomAD v4.1: 85 of 1,614,122 alleles (0.0053%); highest among the groups gnomAD compares: Middle Eastern, 0.082%; no homozygotes.

Submission:

PreventionGenetics, part of Exact Sciences
Classification: Likely benign for NLRP2-related condition. Last evaluated: 2020-06-16. Review status: no assertion criteria provided. Collection method: clinical testing. Allele origin: germline.
Comment: This variant is classified as likely benign based on ACMG/AMP sequence variant interpretation guidelines (Richards et al. 2015 PMID: 25741868, with internal and published modifications).

NM_017852.5(NLRP2):c.1497C>T (p.Tyr499=)

Gene: NLRP2 (NLR family pyrin domain containing 2; plus strand). Cytogenetic location: 19q13.42.
Variant type: single nucleotide variant.
Coding change: c.1497C>T on transcript NM_017852.5 (MANE Select); coding-DNA position 1497, C replaced by T.
Protein change: p.Tyr499=; no amino-acid change (tyrosine 499 retained).
Molecular consequence: synonymous variant. On other transcripts: non-coding transcript variant (1).
Genome position (GRCh38, 1-based): chr19:54,983,195, C>T. VCF-style: chr19-54983195-C-T. GRCh37 (hg19) VCF-style: chr19-55494563-C-T.
Other names: c.1497C>T, p.Tyr499= (NM_001174081.3); c.1431C>T, p.Tyr477= (NM_001174082.3); c.1428C>T, p.Tyr476= (NM_001174083.2); c.1488C>T, p.Tyr496= (NM_001348003.2).
Identifiers: ClinVar variation 3048448 (VCV003048448.2), dbSNP rs138179625, ClinGen allele CA310104812.